The following is an entry in ClinVar:

NM_001303256.3(MORC2):c.318G>A (p.Ser106=)

Gene: MORC2 (MORC family CW-type zinc finger 2; minus strand). Cytogenetic location: 22q12.2.
Variant type: single nucleotide variant.
Coding change: c.318G>A on transcript NM_001303256.3 (MANE Select); coding-DNA position 318, G replaced by A.
Protein change: p.Ser106=; no amino-acid change (serine 106 retained).
Molecular consequence: synonymous variant.
Genome position (GRCh38, 1-based): chr22:30,946,449, C>T on the plus strand (G>A on the coding strand, the complement: MORC2 is on the minus strand). VCF-style: chr22-30946449-C-T. GRCh37 (hg19) VCF-style: chr22-31342436-C-T.
Other names: c.318G>A, p.Ser106= (NM_001303257.2); c.132G>A, p.Ser44= (NM_014941.3).
Identifiers: ClinVar variation 2749315 (VCV002749315.5), dbSNP rs765313173, ClinGen allele CA10187286.

ClinVar aggregate classification (germline): Uncertain significance. Review status: criteria provided, multiple submitters, no conflicts (2 of 4 stars). 2 submissions from 2 submitters: Uncertain significance (2). Last evaluated 2023-04-22.

Conditions:
Charcot-Marie-Tooth disease axonal type 2Z. Also called: CHARCOT-MARIE-TOOTH DISEASE, AXONAL, AUTOSOMAL DOMINANT, TYPE 2Z; CHARCOT-MARIE-TOOTH NEUROPATHY, TYPE 2Z. Identifiers: Orphanet 466768, MedGen C5569025, MONDO:0014736, OMIM 616688.
Developmental delay, impaired growth, dysmorphic facies, and axonal neuropathy. Identifiers: MedGen C5436781, MONDO:0030835, OMIM 619090.

Allele frequency attached by ClinVar (database versions not stated): gnomAD exomes below 0.00001; ExAC 0.00002.
gnomAD v4.1: 2 of 1,604,908 alleles (0.00012%); highest among the groups gnomAD compares: South Asian, 0.0022%; no homozygotes.

Submissions (2):

Labcorp Genetics (formerly Invitae), Labcorp
Classification: Uncertain significance for Charcot-Marie-Tooth disease axonal type 2Z. Last evaluated: 2023-04-22. Review status: criteria provided, single submitter. Criteria: Invitae Variant Classification Sherloc (09022015). Collection method: clinical testing. Allele origin: germline.
Comment: In summary, the available evidence is currently insufficient to determine the role of this variant in disease. Therefore, it has been classified as a Variant of Uncertain Significance. Algorithms developed to predict the effect of sequence changes on RNA splicing suggest that this variant is not likely to affect RNA splicing. This variant has not been reported in the literature in individuals affected with MORC2-related conditions. The frequency data for this variant in the population databases is considered unreliable, as metrics indicate poor data quality at this position in the gnomAD database. This sequence change affects codon 106 of the MORC2 mRNA. It is a 'silent' change, meaning that it does not change the encoded amino acid sequence of the MORC2 protein. It affects a nucleotide within the consensus splice site.

Neuberg Centre For Genomic Medicine, NCGM
Classification: Uncertain significance for Developmental delay, impaired growth, dysmorphic facies, and axonal neuropathy. Review status: criteria provided, single submitter. Criteria: ACMG Guidelines, 2015. Collection method: clinical testing. Allele origin: germline. Inheritance: Autosomal dominant inheritance. Affected: yes.
Comment: The splice site c.318G>A p.Ser106 variant in MORC2 gene has not been reported previously as a pathogenic variant nor as a benign variant, to our knowledge. The p.Ser106 variant has allele frequency 0.0004% in genomAD Exomes and is novel not in any individuals in 1000 Genomes. This variant has not been reported to the ClinVar database. This p.Ser106 type of mutation causes no change in the protein that is produced, which is why it's considered as synonymous mutation. For these reasons, this variant has been classified as Variant of Uncertain Significance VUS.